The following is an entry in ClinVar:

NM_000124.4(ERCC6):c.3007G>T (p.Glu1003Ter)

Gene: ERCC6 (ERCC excision repair 6, chromatin remodeling factor; minus strand). Cytogenetic location: 10q11.23.
Variant type: single nucleotide variant.
Coding change: c.3007G>T on transcript NM_000124.4 (MANE Select); coding-DNA position 3007, G replaced by T.
Protein change: p.Glu1003Ter; replaces glutamic acid 1003 with a stop codon.
Molecular consequence: nonsense.
Genome position (GRCh38, 1-based): chr10:49,471,038, C>A on the plus strand (G>T on the coding strand, the complement: ERCC6 is on the minus strand). VCF-style: chr10-49471038-C-A. GRCh37 (hg19) VCF-style: chr10-50679084-C-A.
Other names: c.3007G>T, p.Glu1003Ter (NM_001346440.2); short protein forms E1003*.
Identifiers: ClinVar variation 983765 (VCV000983765.3), dbSNP rs1850770605, ClinGen allele CA376717573.

ClinVar aggregate classification (germline): Likely pathogenic (1 of 4 stars; one submission).

Conditions:
Cockayne syndrome type 2 (CSB). Also called: Cockayne Syndrome, Type II; COCKAYNE SYNDROME B. Identifiers: Orphanet 191, Orphanet 90322, MedGen C0751038, MONDO:0019570, OMIM 133540.

Submission:

Myriad Genetics, Inc.
Classification: Likely pathogenic for Cockayne syndrome type 2. Last evaluated: 2019-12-15. Review status: criteria provided, single submitter. Criteria: Myriad Women's Health Autosomal Recessive and X-Linked Classification Criteria (2019). Collection method: clinical testing. Allele origin: unknown.
Comment: NM_000124.2(ERCC6):c.3007G>T(E1003*) is expected to be pathogenic in the context of ERCC6-related disorders. This variant is predicted to lead to an abnormal or absent protein product due to the creation of a premature termination codon in ERCC6, a gene where loss-of-function variants are known to be pathogenic. Please note: this variant was assessed in the context of healthy population screening.